The following is an entry in ClinVar:

NM_001429.4(EP300):c.1371_1374del (p.Ser457fs)

Gene: EP300 (EP300 lysine acetyltransferase; plus strand). Cytogenetic location: 22q13.2.
Variant type: Deletion.
Coding change: c.1371_1374del on transcript NM_001429.4 (MANE Select); coding-DNA positions 1371 to 1374, 4 bases deleted (TCAG; older notation c.1371_1374delTCAG).
Protein change: p.Ser457fs; shifts the reading frame from serine 457.
Molecular consequence: frameshift variant.
Genome position (GRCh38, 1-based): chr22:41,131,476-41,131,479, TCAG deleted; deleting any 4 consecutive bases within chr22:41,131,474-41,131,479 gives the same sequence; the c. name uses the placement nearest the transcript's 3' end. VCF-style (leftmost placement, unchanged base first): chr22-41131473-TAGTC-T. GRCh37 (hg19) VCF-style: chr22-41527477-TAGTC-T.
Other names: c.1371_1374del, p.Ser457fs (NM_001362843.2); short protein forms S457fs.
Identifiers: ClinVar variation 4755701 (VCV004755701.1).

ClinVar aggregate classification (germline): Pathogenic. Review status: criteria provided, multiple submitters, no conflicts (2 of 4 stars). 2 submissions from 2 submitters: Pathogenic (2). Last evaluated 2025-08-07.

Conditions:
Rubinstein-Taybi syndrome due to EP300 haploinsufficiency. Also called: EP300-Related Rubinstein-Taybi Syndrome; RUBINSTEIN-TAYBI SYNDROME 2. Identifiers: Orphanet 353284, Orphanet 783, MedGen C3150941, MONDO:0013364, OMIM 613684.

Submissions (2):

GeneDx
Classification: Pathogenic. Last evaluated: 2025-08-07. Review status: criteria provided, single submitter. Criteria: GeneDx Variant Classification Process June 2021. Collection method: clinical testing. Allele origin: germline. Affected: yes.
Comment: Observed in an individual with a reported diagnosis of Rubinstein-Taybi syndrome in published literature (PMID: 26486927); Frameshift variant predicted to result in protein truncation or nonsense mediated decay in a gene for which loss of function is a known mechanism of disease; Not observed at significant frequency in large population cohorts (gnomAD); This variant is associated with the following publications: (PMID: 26486927)

Clinical Biomedical Laboratory, Shriners Hospital For Children - Canada
Classification: Pathogenic for Rubinstein-Taybi syndrome due to EP300 haploinsufficiency. Review status: criteria provided, single submitter. Criteria: ACMG Guidelines, 2015. Collection method: clinical testing. Allele origin: germline. Affected: yes.
Comment: This variant is predicted to substitute a serine residue by an arginine residue in EP300 and introduce a stop codon 7 amino acids downstream. This is expected to lead to degradation of the affected transcript and loss of function of the affected allele. Loss of function variants in EP300 are associated with Rubinstein-Taybi syndrome 2, which corresponds to the clinical diagnosis of the proband. This variant is absent from the Genome Aggregation Database (v2.1.1.), indicating it is very rare. Frameshift variants in EP300 are a typical cause of Rubinstein-Taybi syndrome, which corresponds to the clinical diagnosis of the proband. Based on the ACMG variant interpretation guidelines (criteria: PVS1, PM2, PP4), the available evidence supports classification of this variant as pathogenic.